The following is an entry in ClinVar:

ClinVar aggregate classification (germline): Uncertain significance. Review status: criteria provided, multiple submitters, no conflicts (2 of 4 stars). 2 submissions from 2 submitters: Uncertain significance (2). Last evaluated 2025-07-15.

Conditions:
Inborn genetic diseases. Identifiers: MedGen C0950123, MeSH D030342.
Fetal akinesia deformation sequence 1 (FADS1). Also called: Fetal akinesia sequence; Pena-Shokeir syndrome type I. Identifiers: Orphanet 994, MedGen C1276035, MONDO:0100101, OMIM 208150, HP:0001989.
Congenital myasthenic syndrome 11. Also called: MYASTHENIC SYNDROME, CONGENITAL, Ie; Myasthenic syndrome, congenital, 11, associated with acetylcholine receptor deficiency. Identifiers: Orphanet 590, MedGen C4225367, MONDO:0014588, OMIM 616326.

gnomAD v4.1: 3 of 1,565,378 alleles (0.00019%); highest among the groups gnomAD compares: South Asian, 0.0035%; no homozygotes.

Submissions (2):

Ambry Genetics
Classification: Uncertain significance for Inborn genetic diseases. Last evaluated: 2025-07-15. Review status: criteria provided, single submitter. Criteria: Ambry Variant Classification Scheme 2023. Collection method: clinical testing. Allele origin: germline.

Labcorp Genetics (formerly Invitae), Labcorp
Classification: Uncertain significance for Congenital myasthenic syndrome 11; Fetal akinesia deformation sequence 1. Last evaluated: 2022-07-28. Review status: criteria provided, single submitter. Criteria: Invitae Variant Classification Sherloc (09022015). Collection method: clinical testing. Allele origin: germline.
Comment: This sequence change replaces arginine, which is basic and polar, with leucine, which is neutral and non-polar, at codon 376 of the RAPSN protein (p.Arg376Leu). This variant is not present in population databases (gnomAD no frequency). This variant has not been reported in the literature in individuals affected with RAPSN-related conditions. Algorithms developed to predict the effect of missense changes on protein structure and function are either unavailable or do not agree on the potential impact of this missense change (SIFT: "Deleterious"; PolyPhen-2: "Benign"; Align-GVGD: "Class C0"). In summary, the available evidence is currently insufficient to determine the role of this variant in disease. Therefore, it has been classified as a Variant of Uncertain Significance.

NM_005055.5(RAPSN):c.1127G>T (p.Arg376Leu)

Gene: RAPSN (receptor associated protein of the synapse; minus strand). Cytogenetic location: 11p11.2.
Variant type: single nucleotide variant.
Coding change: c.1127G>T on transcript NM_005055.5 (MANE Select); coding-DNA position 1127, G replaced by T.
Protein change: p.Arg376Leu; replaces arginine 376 with leucine.
Molecular consequence: missense variant.
Genome position (GRCh38, 1-based): chr11:47,438,771, C>A on the plus strand (G>T on the coding strand, the complement: RAPSN is on the minus strand). VCF-style: chr11-47438771-C-A. GRCh37 (hg19) VCF-style: chr11-47460322-C-A.
Other names: c.950G>T, p.Arg317Leu (NM_032645.5); c.1127G>T (NM_005055.4); short protein forms R376L, R317L.
Identifiers: ClinVar variation 2163030 (VCV002163030.2), dbSNP rs1241928450, ClinGen allele CA380327309.